The following is an entry in ClinVar:

ClinVar aggregate classification (germline): Benign. Review status: criteria provided, multiple submitters, no conflicts (2 of 4 stars). 3 submissions from 3 submitters: Benign (3). Last evaluated 2023-11-12.

Allele frequency attached by ClinVar (database versions not stated): gnomAD 0.87341 and 0.87106; 1000 Genomes Project 0.80172; 1000 Genomes Project 30x 0.80325; TOPMed 0.86095; gnomAD exomes 0.93141.
gnomAD v4.1: 606,718 of 661,598 alleles (92%); highest among the groups gnomAD compares: Non-Finnish European, 96%; 280,424 homozygotes.

Submissions (3):

Unidad de Genómica Garrahan, Hospital de Pediatría Garrahan
Classification: Benign. Last evaluated: 2023-11-12. Review status: criteria provided, single submitter. Criteria: ACMG Guidelines, 2015. Collection method: clinical testing. Allele origin: germline. Affected: no. Observed: 78 variant alleles.
Comment: This variant is classified as Benign based on local population frequency. This variant was detected in 81% of patients studied by a panel of primary immunodeficiencies. Number of patients: 78. Only high quality variants are reported.

GeneDx
Classification: Benign. Last evaluated: 2018-11-12. Review status: criteria provided, single submitter. Criteria: GeneDx Variant Classification Process June 2021. Collection method: clinical testing. Allele origin: germline. Affected: yes.

Breakthrough Genomics
Classification: Benign. Review status: criteria provided, single submitter. Criteria: ACMG Guidelines, 2015. Collection method: not provided. Allele origin: germline. Inheritance: Autosomal recessive inheritance. Affected: yes.

NM_001364905.1(LRBA):c.6551+84A>G

Gene: LRBA (LPS responsive beige-like anchor protein; minus strand). Cytogenetic location: 4q31.3.
Variant type: single nucleotide variant.
Coding change: c.6551+84A>G on transcript NM_001364905.1 (MANE Select); 84 bases into the intron after coding-DNA position 6551, A replaced by G.
Molecular consequence: intron variant.
Genome position (GRCh38, 1-based): chr4:150,487,648, T>C on the plus strand (A>G on the coding strand, the complement: LRBA is on the minus strand). VCF-style: chr4-150487648-T-C. GRCh37 (hg19) VCF-style: chr4-151408800-T-C.
Other names: c.6551+84A>G (NM_001367550.1, NM_001199282.3, NM_001440431.1); c.6584+84A>G (NM_006726.5, NM_001440430.1); c.254+84A>G (NM_001440432.1); c.248+84A>G (NM_001440433.1).
Identifiers: ClinVar variation 1288951 (VCV001288951.4), dbSNP rs7674989, ClinGen allele CA108360776.